The following is an entry in ClinVar:

NM_004329.3(BMPR1A):c.1448T>C (p.Val483Ala)

Gene: BMPR1A (bone morphogenetic protein receptor type 1A; plus strand). Cytogenetic location: 10q23.2.
Variant type: single nucleotide variant.
Coding change: c.1448T>C on transcript NM_004329.3 (MANE Select); coding-DNA position 1448, T replaced by C.
Protein change: p.Val483Ala; replaces valine 483 with alanine.
Molecular consequence: missense variant.
Genome position (GRCh38, 1-based): chr10:86,923,481, T>C. VCF-style: chr10-86923481-T-C. GRCh37 (hg19) VCF-style: chr10-88683238-T-C.
Other names: short protein forms V483A.
Identifiers: ClinVar variation 937107 (VCV000937107.12), dbSNP rs1843696769, ClinGen allele CA377463144.

ClinVar aggregate classification (germline): Uncertain significance. Review status: criteria provided, multiple submitters, no conflicts (2 of 4 stars). 3 submissions from 3 submitters: Uncertain significance (3). Last evaluated 2026-07-07.

Conditions:
Hereditary cancer-predisposing syndrome. Also called: Neoplastic Syndromes, Hereditary; Hereditary Cancer Syndrome; Tumor predisposition; Hereditary neoplastic syndrome. Identifiers: Orphanet 140162, MedGen C0027672, MeSH D009386, MONDO:0015356.
Juvenile polyposis syndrome (JPS). Identifiers: Orphanet 2929, MedGen C0345893, MONDO:0017380, OMIM 174900.
Polyposis syndrome, hereditary mixed, 2. Identifiers: Orphanet 157794, MedGen C1864730, MONDO:0012405, OMIM 610069.

Submissions (3):

Ambry Genetics
Classification: Uncertain significance for Hereditary cancer-predisposing syndrome. Last evaluated: 2026-07-07. Review status: criteria provided, single submitter. Criteria: Ambry Variant Classification Scheme 2023. Collection method: clinical testing. Allele origin: germline.
Comment: The p.V483A variant (also known as c.1448T>C), located in coding exon 10 of the BMPR1A gene, results from a T to C substitution at nucleotide position 1448. The valine at codon 483 is replaced by alanine, an amino acid with similar properties. This amino acid position is conserved. In addition, this alteration is predicted to be tolerated by in silico analysis. Based on the available evidence, the clinical significance of this variant remains unclear.

Baylor Genetics
Classification: Uncertain significance for Polyposis syndrome, hereditary mixed, 2. Last evaluated: 2023-06-14. Review status: criteria provided, single submitter. Criteria: ACMG Guidelines, 2015. Collection method: clinical testing. Allele origin: unknown.

Labcorp Genetics (formerly Invitae), Labcorp
Classification: Uncertain significance for Juvenile polyposis syndrome. Last evaluated: 2021-01-31. Review status: criteria provided, single submitter. Criteria: Invitae Variant Classification Sherloc (09022015). Collection method: clinical testing. Allele origin: germline.
Comment: In summary, the available evidence is currently insufficient to determine the role of this variant in disease. Therefore, it has been classified as a Variant of Uncertain Significance. Algorithms developed to predict the effect of missense changes on protein structure and function (SIFT, PolyPhen-2, Align-GVGD) all suggest that this variant is likely to be tolerated, but these predictions have not been confirmed by published functional studies and their clinical significance is uncertain. This variant has not been reported in the literature in individuals with BMPR1A-related conditions. This variant is not present in population databases (ExAC no frequency). This sequence change replaces valine with alanine at codon 483 of the BMPR1A protein (p.Val483Ala). The valine residue is highly conserved and there is a small physicochemical difference between valine and alanine.